The following is an entry in ClinVar:

ClinVar aggregate classification (germline): Uncertain significance. Review status: criteria provided, single submitter (1 of 4 stars). 2 submissions from 2 submitters: Uncertain significance (1). 1 of the submissions does not count toward it. Last evaluated 2022-10-13.

Conditions:
Gorlin syndrome. Also called: Nevoid Basal Cell Carcinoma Syndrome; Basal cell nevus syndrome. Identifiers: Orphanet 377, MedGen C0004779, MONDO:0007187.
PTCH2-related disorder. Also called: PTCH2-related condition; PTCH2-related disease.

gnomAD v4.1: 4 of 1,599,702 alleles (0.00025%); highest among the groups gnomAD compares: Admixed American, 0.0017%; no homozygotes.

Submissions (2):

Labcorp Genetics (formerly Invitae), Labcorp
Classification: Uncertain significance for Gorlin syndrome. Last evaluated: 2022-10-13. Review status: criteria provided, single submitter. Criteria: Invitae Variant Classification Sherloc (09022015). Collection method: clinical testing. Allele origin: germline.
Comment: This sequence change affects codon 246 of the PTCH2 mRNA. It is a 'silent' change, meaning that it does not change the encoded amino acid sequence of the PTCH2 protein. This variant is present in population databases (no rsID available, gnomAD 0.003%). This variant has not been reported in the literature in individuals affected with PTCH2-related conditions. ClinVar contains an entry for this variant (Variation ID: 1403063). Algorithms developed to predict the effect of sequence changes on RNA splicing suggest that this variant may create or strengthen a splice site. In summary, the available evidence is currently insufficient to determine the role of this variant in disease. Therefore, it has been classified as a Variant of Uncertain Significance.

PreventionGenetics, part of Exact Sciences
Classification: Uncertain significance for PTCH2-related condition. Last evaluated: 2024-09-01. Review status: no assertion criteria provided. Collection method: clinical testing. Allele origin: germline. Not counted in ClinVar's aggregate classification.
Comment: The PTCH2 c.738C>G variant is not predicted to result in an amino acid change (p.=). This variant is predicted to alter splicing based on available splicing prediction programs (SpliceAI, Jaganathan et al. 2019. PubMed ID: 30661751). To our knowledge, this variant has not been reported in the literature. This variant is reported in 0.0029% of alleles in individuals of Latino descent in gnomAD and is classified as a variant of uncertain significance in ClinVar. At this time, the clinical significance of this variant is uncertain due to the absence of conclusive functional and genetic evidence.

NM_003738.5(PTCH2):c.738C>G (p.Ala246=)

Gene: PTCH2 (patched 2; minus strand). Cytogenetic location: 1p34.1.
Variant type: single nucleotide variant.
Coding change: c.738C>G on transcript NM_003738.5 (MANE Select); coding-DNA position 738, C replaced by G.
Protein change: p.Ala246=; no amino-acid change (alanine 246 retained).
Molecular consequence: synonymous variant.
Genome position (GRCh38, 1-based): chr1:44,830,923, G>C on the plus strand (C>G on the coding strand, the complement: PTCH2 is on the minus strand). VCF-style: chr1-44830923-G-C. GRCh37 (hg19) VCF-style: chr1-45296595-G-C.
Other names: c.738C>G (NM_003738.4); c.738C>G, p.Ala246= (NM_001166292.2).
Identifiers: ClinVar variation 1403063 (VCV001403063.6), dbSNP rs58079936, ClinGen allele CA417465157.
Genomic context (GRCh38, chr1:44,830,923, plus strand): 5'-GTTGGGGGCACTAGGTGGGCAGTGGAGGTCATCAGGGTGCAGACAGGGCCGCCCCACGTA[G>C]GCCTGGCCCACCTGTGCCTTGTCTAGCAGCTCCCGGAAGCCCTCAAGGGAGGCAAAGGGA-3'
Protein context (NP_003729.3, residues 236-256): ELLDKAQVGQ[Ala246=]YVGRPCLHPD